The following is an entry in ClinVar:

NM_000138.5(FBN1):c.6335C>G (p.Pro2112Arg)

Gene: FBN1 (fibrillin 1; minus strand). Cytogenetic location: 15q21.1.
Variant type: single nucleotide variant.
Coding change: c.6335C>G on transcript NM_000138.5 (MANE Select); coding-DNA position 6335, C replaced by G.
Protein change: p.Pro2112Arg; replaces proline 2112 with arginine.
Molecular consequence: missense variant.
Genome position (GRCh38, 1-based): chr15:48,437,366, G>C on the plus strand (C>G on the coding strand, the complement: FBN1 is on the minus strand). VCF-style: chr15-48437366-G-C. GRCh37 (hg19) VCF-style: chr15-48729563-G-C.
Other names: c.6335C>G, p.Pro2112Arg (NM_001406716.1); short protein forms P2112R.
Identifiers: ClinVar variation 2940818 (VCV002940818.3), dbSNP rs2043081607, ClinGen allele CA392336824.
Genomic context (GRCh38, chr15:48,437,366, plus strand): 5'-AGCACAGGCAACTGACCAACTGCTGAATCATCAGGTCCCACGATGATCCCACTTCCATAA[G>C]GACATATCTGGCGGAAGGCCTCTGTGGTGGAGACACTCATTAATAGATAGAACAATAGCA-3'
Protein context (NP_000129.3, residues 2102-2122): EPDEAFRQIC[Pro2112Arg]YGSGIIVGPD

ClinVar aggregate classification (germline): Uncertain significance (1 of 4 stars; one submission).

Conditions:
Marfan syndrome (MFS). Also called: MARFAN SYNDROME, TYPE I; Marfan syndrome type 1; Marfan's syndrome; Marfan syndrome, classic; FBN1-Related Marfan Syndrome. Identifiers: Orphanet 284963, Orphanet 558, MedGen C0024796, MONDO:0007947, OMIM 154700.
Familial thoracic aortic aneurysm and aortic dissection (TAAD). Also called: Thoracic aortic aneurysms and dissections. Identifiers: Orphanet 91387, MedGen C4707243, MONDO:0019625.

Allele frequency attached by ClinVar (database versions not stated): TOPMed below 0.00001; gnomAD 0.00001.
gnomAD v4.1: 1 of 1,613,320 alleles (0.000062%); highest among the groups gnomAD compares: Non-Finnish European, 0.000085%; no homozygotes.

Submission:

Labcorp Genetics (formerly Invitae), Labcorp
Classification: Uncertain significance for Marfan syndrome; Familial thoracic aortic aneurysm and aortic dissection. Last evaluated: 2023-08-02. Review status: criteria provided, single submitter. Criteria: Invitae Variant Classification Sherloc (09022015). Collection method: clinical testing. Allele origin: germline.
Comment: This sequence change replaces proline, which is neutral and non-polar, with arginine, which is basic and polar, at codon 2112 of the FBN1 protein (p.Pro2112Arg). In summary, the available evidence is currently insufficient to determine the role of this variant in disease. Therefore, it has been classified as a Variant of Uncertain Significance. Advanced modeling of protein sequence and biophysical properties (such as structural, functional, and spatial information, amino acid conservation, physicochemical variation, residue mobility, and thermodynamic stability) performed at Invitae indicates that this missense variant is expected to disrupt FBN1 protein function. This variant has not been reported in the literature in individuals affected with FBN1-related conditions. This variant is not present in population databases (gnomAD no frequency).